The following is an entry in ClinVar:

NM_001372066.1(TFAP2A):c.812T>G (p.Leu271Arg)

Gene: TFAP2A (transcription factor AP-2 alpha; minus strand). Cytogenetic location: 6p24.3.
Variant type: single nucleotide variant.
Coding change: c.812T>G on transcript NM_001372066.1 (MANE Select); coding-DNA position 812, T replaced by G.
Protein change: p.Leu271Arg; replaces leucine 271 with arginine.
Molecular consequence: missense variant.
Genome position (GRCh38, 1-based): chr6:10,402,569, A>C on the plus strand (T>G on the coding strand, the complement: TFAP2A is on the minus strand). VCF-style: chr6-10402569-A-C. GRCh37 (hg19) VCF-style: chr6-10402802-A-C.
Other names: NM_003220.2:c.806T>G; c.788T>G, p.Leu263Arg (NM_001032280.3); c.794T>G, p.Leu265Arg (NM_001042425.3); short protein forms L263R, L265R, L271R.
Identifiers: ClinVar variation 2633844 (VCV002633844.1), dbSNP rs2532358328, ClinGen allele CA362700908.

ClinVar aggregate classification (germline): Uncertain significance (1 of 4 stars; one submission).

Conditions:
TFAP2A-related disorder. Also called: TFAP2A-related condition.

Submission:

PreventionGenetics, part of Exact Sciences
Classification: Uncertain significance for TFAP2A-related condition. Last evaluated: 2023-03-09. Review status: criteria provided, single submitter. Criteria: ACMG Guidelines, 2015. Collection method: clinical testing. Allele origin: germline.
Comment: The TFAP2A c.806T>G variant is predicted to result in the amino acid substitution p.Leu269Arg. To our knowledge, this variant has not been reported in the literature or in a large population database, indicating this variant is rare. At this time, the clinical significance of this variant is uncertain due to the absence of conclusive functional and genetic evidence.